The following is an entry in ClinVar:

NM_000625.4(NOS2):c.2358T>C (p.Gly786=)

Gene: NOS2 (nitric oxide synthase 2; minus strand). Cytogenetic location: 17q11.2.
Variant type: single nucleotide variant.
Coding change: c.2358T>C on transcript NM_000625.4 (MANE Select); coding-DNA position 2358, T replaced by C.
Protein change: p.Gly786=; no amino-acid change (glycine 786 retained).
Molecular consequence: synonymous variant.
Genome position (GRCh38, 1-based): chr17:27,765,605, A>G on the plus strand (T>C on the coding strand, the complement: NOS2 is on the minus strand). VCF-style: chr17-27765605-A-G. GRCh37 (hg19) VCF-style: chr17-26092631-A-G.
Identifiers: ClinVar variation 2687957 (VCV002687957.4), dbSNP rs1060822, ClinGen allele CA8454424.

ClinVar aggregate classification (germline): Benign. Review status: criteria provided, single submitter (1 of 4 stars). 2 submissions from 2 submitters: Benign (1). 1 of the submissions does not count toward it. Last evaluated 2024-01-24.

Conditions:
NOS2-related disorder. Also called: NOS2-related condition.

Allele frequency attached by ClinVar (database versions not stated): gnomAD exomes 0.62999; ExAC 0.66366; ESP Exome Variant Server 0.66749; gnomAD 0.67695; TOPMed 0.67948; 1000 Genomes Project 30x 0.72829; 1000 Genomes Project 0.73083.
gnomAD v4.1: 1,024,580 of 1,612,444 alleles (64%); highest among the groups gnomAD compares: South Asian, 83%; 329,856 homozygotes.

Submissions (2):

Unidad de Genómica Garrahan, Hospital de Pediatría Garrahan
Classification: Benign. Last evaluated: 2024-01-24. Review status: criteria provided, single submitter. Criteria: ACMG Guidelines, 2015. Collection method: clinical testing. Allele origin: germline. Affected: no. Observed: 83 variant alleles.
Comment: This variant is classified as Benign based on local population frequency. This variant was detected in 87% of patients studied by a panel of primary immunodeficiencies. Number of patients: 83. Only high quality variants are reported.

PreventionGenetics, part of Exact Sciences
Classification: Benign for NOS2-related condition. Last evaluated: 2019-10-17. Review status: no assertion criteria provided. Collection method: clinical testing. Allele origin: germline. Not counted in ClinVar's aggregate classification.
Comment: This variant is classified as benign based on ACMG/AMP sequence variant interpretation guidelines (Richards et al. 2015 PMID: 25741868, with internal and published modifications).